The following is an entry in ClinVar:

ClinVar aggregate classification (germline): Benign/Likely benign. Review status: criteria provided, multiple submitters, no conflicts (2 of 4 stars). 7 submissions from 7 submitters: Benign (6); Likely benign (1). Last evaluated 2026-02-01.

Allele frequency attached by ClinVar (database versions not stated): gnomAD 0.09326 and 0.09752; TOPMed 0.10316; gnomAD exomes 0.01874 and 0.03625; ExAC 0.04171; 1000 Genomes Project 0.10343; ESP Exome Variant Server 0.10406; 1000 Genomes Project 30x 0.10712.
gnomAD v4.1: 42,299 of 1,612,428 alleles (2.6%); highest among the groups gnomAD compares: African/African-American, 30%; 3,789 homozygotes.

Submissions (7):

Labcorp Genetics (formerly Invitae), Labcorp
Classification: Benign. Last evaluated: 2026-02-01. Review status: criteria provided, single submitter. Criteria: Invitae Variant Classification Sherloc (09022015). Collection method: clinical testing. Allele origin: germline.

Mayo Clinic Laboratories, Mayo Clinic
Classification: Benign. Last evaluated: 2020-10-02. Review status: criteria provided, single submitter. Criteria: ACMG Guidelines, 2015. Collection method: clinical testing. Allele origin: germline. Observed: 11 variant alleles.

Athena Diagnostics
Classification: Benign. Last evaluated: 2018-05-24. Review status: criteria provided, single submitter. Criteria: Athena Diagnostics Criteria. Collection method: clinical testing. Allele origin: germline.

GeneDx
Classification: Benign. Last evaluated: 2017-10-05. Review status: criteria provided, single submitter. Criteria: GeneDx Variant Classification (06012015). Collection method: clinical testing. Allele origin: germline. Affected: yes.
Comment: This variant is considered likely benign or benign based on one or more of the following criteria: it is a conservative change, it occurs at a poorly conserved position in the protein, it is predicted to be benign by multiple in silico algorithms, and/or has population frequency not consistent with disease.

Laboratory for Molecular Medicine, Mass General Brigham Personalized Medicine
Classification: Benign. Last evaluated: 2012-05-07. Review status: criteria provided, single submitter. Criteria: LMM Criteria. Collection method: clinical testing. Allele origin: germline. Observed: 123 variant alleles.
Comment: "Glu111Glu in Exon 03 of HGF: This variant is not expected to have clinical sign ificance because it does not alter an amino acid residue, is not located within the splice consensus sequence, and has been identified in 27.9% (1043/3738) of A frican American chromosomes from a broad population by the NHLBI Exome Sequencin g Project (dbSNP rs5745635)."

Breakthrough Genomics
Classification: Likely benign. Review status: criteria provided, single submitter. Criteria: ACMG Guidelines, 2015. Collection method: not provided. Allele origin: germline. Inheritance: Autosomal recessive inheritance. Affected: yes.

PreventionGenetics, part of Exact Sciences
Classification: Benign. Review status: criteria provided, single submitter. Criteria: ACMG Guidelines, 2015. Collection method: clinical testing. Allele origin: germline.

NM_000601.6(HGF):c.333A>G (p.Glu111=)

Gene: HGF (hepatocyte growth factor; minus strand). Cytogenetic location: 7q21.11.
Variant type: single nucleotide variant.
Coding change: c.333A>G on transcript NM_000601.6 (MANE Select); coding-DNA position 333, A replaced by G.
Protein change: p.Glu111=; no amino-acid change (glutamic acid 111 retained).
Molecular consequence: synonymous variant.
Genome position (GRCh38, 1-based): chr7:81,758,726, T>C on the plus strand (A>G on the coding strand, the complement: HGF is on the minus strand). VCF-style: chr7-81758726-T-C. GRCh37 (hg19) VCF-style: chr7-81388042-T-C.
Other names: p.Glu111=; c.333A>G, p.Glu111= (NM_001010931.3, NM_001010932.3, NM_001010933.3 and 1 more transcripts).
Identifiers: ClinVar variation 43609 (VCV000043609.18), dbSNP rs5745635, ClinGen allele CA132818.